The following is an entry in ClinVar:

ClinVar aggregate classification (germline): Uncertain significance. Review status: criteria provided, multiple submitters, no conflicts (2 of 4 stars). 2 submissions from 2 submitters: Uncertain significance (2). Last evaluated 2022-11-01.

Conditions:
Progressive myoclonic epilepsy type 5. Identifiers: Orphanet 402082, MedGen C5190799.

Allele frequency attached by ClinVar (database versions not stated): gnomAD below 0.00001 and 0.00002; ExAC 0.00001; gnomAD exomes 0.00001.
gnomAD v4.1: 9 of 1,614,094 alleles (0.00056%); highest among the groups gnomAD compares: Middle Eastern, 0.016%; no homozygotes.

Submissions (2):

Labcorp Genetics (formerly Invitae), Labcorp
Classification: Uncertain significance for Progressive myoclonic epilepsy type 5. Last evaluated: 2022-11-01. Review status: criteria provided, single submitter. Criteria: Invitae Variant Classification Sherloc (09022015). Collection method: clinical testing. Allele origin: germline.
Comment: This sequence change replaces glutamic acid, which is acidic and polar, with aspartic acid, which is acidic and polar, at codon 603 of the PRICKLE2 protein (p.Glu603Asp). This variant is present in population databases (rs768820914, gnomAD 0.01%). This variant has not been reported in the literature in individuals affected with PRICKLE2-related conditions. ClinVar contains an entry for this variant (Variation ID: 1002771). Advanced modeling of protein sequence and biophysical properties (such as structural, functional, and spatial information, amino acid conservation, physicochemical variation, residue mobility, and thermodynamic stability) performed at Invitae indicates that this missense variant is not expected to disrupt PRICKLE2 protein function. In summary, the available evidence is currently insufficient to determine the role of this variant in disease. Therefore, it has been classified as a Variant of Uncertain Significance.

Ambry Genetics
Classification: Uncertain significance. Last evaluated: 2022-05-11. Review status: criteria provided, single submitter. Criteria: Ambry Variant Classification Scheme 2023. Collection method: clinical testing. Allele origin: germline.

NM_198859.4(PRICKLE2):c.1809G>C (p.Glu603Asp)

Genes: PRICKLE2 (prickle planar cell polarity protein 2; minus strand), PRICKLE2-AS1 (PRICKLE2 antisense RNA 1; plus strand). Cytogenetic location: 3p14.1.
Variant type: single nucleotide variant.
Coding change: c.1809G>C on transcript NM_198859.4 (MANE Select); coding-DNA position 1809, G replaced by C.
Protein change: p.Glu603Asp; replaces glutamic acid 603 with aspartic acid.
Molecular consequence: missense variant. On other transcripts: non-coding transcript variant (1).
Genome position (GRCh38, 1-based): chr3:64,099,777, C>G on the plus strand (G>C on the coding strand, the complement: PRICKLE2 is on the minus strand). VCF-style: chr3-64099777-C-G. GRCh37 (hg19) VCF-style: chr3-64085453-C-G.
Other names: c.1809G>C, p.Glu603Asp (NM_001370528.1); c.1809G>C (NM_198859.3); short protein forms E603D.
Identifiers: ClinVar variation 1002771 (VCV001002771.8), dbSNP rs768820914, ClinGen allele CA2479546.
Genomic context (GRCh38, chr3:64,099,777, plus strand): 5'-CTGGTGGAGGTTTCCCTCCATCTCCTGGTACTGCTGGGCAGAGAGCAGGCTGCGAACTGA[C>G]TCTGCGCTCCGGAACTGCATGGACGAGTTAAGAGTGCCCATGTTGCTCAGCTTCTCAGAC-3'
Protein context (NP_942559.1, residues 593-613): LNSSMQFRSA[Glu603Asp]SVRSLLSAQQ